The following is an entry in ClinVar:

NM_199420.4(POLQ):c.4207G>A (p.Asp1403Asn)

Gene: POLQ (DNA polymerase theta; minus strand). Cytogenetic location: 3q13.33.
Variant type: single nucleotide variant.
Coding change: c.4207G>A on transcript NM_199420.4 (MANE Select); coding-DNA position 4207, G replaced by A.
Protein change: p.Asp1403Asn; replaces aspartic acid 1403 with asparagine.
Molecular consequence: missense variant.
Genome position (GRCh38, 1-based): chr3:121,488,724, C>T on the plus strand (G>A on the coding strand, the complement: POLQ is on the minus strand). VCF-style: chr3-121488724-C-T. GRCh37 (hg19) VCF-style: chr3-121207571-C-T.
Other names: short protein forms D1403N.
Identifiers: ClinVar variation 2449000 (VCV002449000.2), dbSNP rs2546786205, ClinGen allele CA354095763.

ClinVar aggregate classification (germline): Uncertain significance (1 of 4 stars; one submission).

Submission:

Ambry Genetics
Classification: Uncertain significance. Last evaluated: 2023-02-09. Review status: criteria provided, single submitter. Criteria: Ambry Variant Classification Scheme 2023. Collection method: clinical testing. Allele origin: germline.
Comment: The p.D1403N variant (also known as c.4207G>A), located in coding exon 16 of the POLQ gene, results from a G to A substitution at nucleotide position 4207. The aspartic acid at codon 1403 is replaced by asparagine, an amino acid with highly similar properties. This amino acid position is conserved. In addition, this alteration is predicted to be tolerated by in silico analysis. Since supporting evidence is limited at this time, the clinical significance of this alteration remains unclear.